The following is an entry in ClinVar:

ClinVar aggregate classification (germline): Uncertain significance. Review status: criteria provided, multiple submitters, no conflicts (2 of 4 stars). 2 submissions from 2 submitters: Uncertain significance (2). Last evaluated 2026-04-14.

Conditions:
Familial intrahepatic cholestasis. Identifiers: Orphanet 284385, MedGen CN296401, MONDO:0017290.
Progressive familial intrahepatic cholestasis type 2. Identifiers: Orphanet 79304, MedGen C3489789, MONDO:0011156, OMIM 601847.

gnomAD v4.1: 6 of 1,613,122 alleles (0.00037%); highest among the groups gnomAD compares: Non-Finnish European, 0.00051%; no homozygotes.

Submissions (2):

Genomenon, Inc
Classification: Uncertain significance for Familial intrahepatic cholestasis. Last evaluated: 2026-04-14. Review status: criteria provided, single submitter. Criteria: Genomenon Sequence Variant Interpretation Standards - Updated. Collection method: curation. Allele origin: germline. Affected: no.
Comment: ABCB11 p.Glu297Lys (c.889G>A) is a missense variant that changes the amino acid at residue 297 from Glutamic acid to Lysine. This variant has been reported in the published literature (PMID:19101985;28245962;22795478;25027376). It is absent or not present at a significant frequency in gnomAD. In silico models predict that this variant is possibly or probably damaging. In conclusion, we classify ABCB11 p.Glu297Lys (c.889G>A) as a variant of uncertain significance.

Broad Center for Mendelian Genomics, Broad Institute of MIT and Harvard
Classification: Uncertain significance for Progressive familial intrahepatic cholestasis type 2. Last evaluated: 2025-01-30. Review status: criteria provided, single submitter. Criteria: ACMG Guidelines, 2015. Collection method: curation. Allele origin: germline. Inheritance: Autosomal recessive inheritance.
Comment: The p.Glu297Lys variant in ABCB11 has not been previously reported in the literature in individuals with BSEP deficiency, but has been identified in 0.0005% (6/1179322) of European (non-Finnish) chromosomes by the Genome Aggregation Database (gnomAD). Although this variant has been seen in the general population in a heterozygous state, its frequency is low enough to be consistent with a recessive carrier frequency. cDNA analysis performed on affected tissue shows aberrant splicing (PMID:19101985). Loss of function of the ABCB11 gene is an established disease mechanism in autosomal recessive BSEP deficiency. One additional pathogenic variant, resulting in a different amino acid change at the same position, p.Glu297Gly, has been reported in association with disease in ClinVar, supporting that a change at this position may not be tolerated (Variation ID: 6590). In summary, although additional studies are required to fully establish its clinical significance, this variant is likely pathogenic for autosomal recessive BSEP deficiency. ACMG/AMP Criteria applied: PM5, PM2_supporting, PVS1_supporting (Richards 2015).

Literature cited by the submitters: PubMed 19101985 (cited by Genomenon, Inc); PubMed 28245962 (cited by Genomenon, Inc); PubMed 22795478 (cited by Genomenon, Inc); PubMed 25027376 (cited by Genomenon, Inc).

NM_003742.4(ABCB11):c.889G>A (p.Glu297Lys)

Gene: ABCB11 (ATP binding cassette subfamily B member 11; minus strand). Cytogenetic location: 2q31.1.
Variant type: single nucleotide variant.
Coding change: c.889G>A on transcript NM_003742.4 (MANE Select); coding-DNA position 889, G replaced by A.
Protein change: p.Glu297Lys; replaces glutamic acid 297 with lysine.
Molecular consequence: missense variant.
Genome position (GRCh38, 1-based): chr2:168,990,820, C>T on the plus strand (G>A on the coding strand, the complement: ABCB11 is on the minus strand). VCF-style: chr2-168990820-C-T. GRCh37 (hg19) VCF-style: chr2-169847330-C-T.
Other names: NM_003742.4:c.889G>A; short protein forms E297K.
Identifiers: ClinVar variation 3776877 (VCV003776877.2).